The following is an entry in ClinVar:

NM_002599.5(PDE2A):c.400A>G (p.Arg134Gly)

Gene: PDE2A (phosphodiesterase 2A; minus strand). Cytogenetic location: 11q13.4.
Variant type: single nucleotide variant.
Coding change: c.400A>G on transcript NM_002599.5 (MANE Select); coding-DNA position 400, A replaced by G.
Protein change: p.Arg134Gly; replaces arginine 134 with glycine.
Molecular consequence: missense variant.
Genome position (GRCh38, 1-based): chr11:72,597,543, T>C on the plus strand (A>G on the coding strand, the complement: PDE2A is on the minus strand). VCF-style: chr11-72597543-T-C. GRCh37 (hg19) VCF-style: chr11-72308587-T-C.
Other names: c.379A>G, p.Arg127Gly (NM_001143839.4); c.373A>G, p.Arg125Gly (NM_001146209.3); c.337A>G, p.Arg113Gly (NM_001243784.2); short protein forms R113G, R125G, R127G, R134G.
Identifiers: ClinVar variation 4823372 (VCV004823372.4).

ClinVar aggregate classification (germline): Uncertain significance (1 of 4 stars; one submission).

gnomAD v4.1: 3 of 1,598,426 alleles (0.00019%); highest among the groups gnomAD compares: Non-Finnish European, 0.000085%; no homozygotes.

Submission:

CeGaT Center for Human Genetics Tuebingen
Classification: Uncertain significance. Last evaluated: 2026-02-01. Review status: criteria provided, single submitter. Criteria: CeGaT Center For Human Genetics Tuebingen Variant Classification Criteria Version 2. Collection method: clinical testing. Allele origin: germline. Affected: yes. Observed: 1 variant allele.
Comment: PDE2A: PM2, BP4